The following is an entry in ClinVar:

ClinVar aggregate classification (germline): Likely benign. Review status: criteria provided, multiple submitters, no conflicts (2 of 4 stars). 2 submissions from 2 submitters: Likely benign (2). Last evaluated 2024-11-20.

Allele frequency attached by ClinVar (database versions not stated): 1000 Genomes Project 30x 0.00016; 1000 Genomes Project 0.00020.
gnomAD v4.1: 244 of 1,604,268 alleles (0.015%); highest among the groups gnomAD compares: Non-Finnish European, 0.02%; no homozygotes.

Submissions (2):

Blueprint Genetics
Classification: Likely benign. Last evaluated: 2024-11-20. Review status: criteria provided, single submitter. Criteria: ACMG Guidelines, 2015. Collection method: clinical testing. Allele origin: germline.

CeGaT Center for Human Genetics Tuebingen
Classification: Likely benign. Last evaluated: 2023-02-01. Review status: criteria provided, single submitter. Criteria: CeGaT Center For Human Genetics Tuebingen Variant Classification Criteria Version 2. Collection method: clinical testing. Allele origin: germline. Affected: yes. Observed: 1 variant allele.
Comment: FGFR1: BP4, BP7

NM_023110.3(FGFR1):c.92-10362C>G

Gene: FGFR1 (fibroblast growth factor receptor 1; minus strand). Cytogenetic location: 8p11.23.
Variant type: single nucleotide variant.
Coding change: c.92-10362C>G on transcript NM_023110.3 (MANE Select); 10362 bases into the intron before coding-DNA position 92, C replaced by G.
Molecular consequence: intron variant. On other transcripts: synonymous variant (1).
Genome position (GRCh38, 1-based): chr8:38,440,310, G>C on the plus strand (C>G on the coding strand, the complement: FGFR1 is on the minus strand). VCF-style: chr8-38440310-G-C. GRCh37 (hg19) VCF-style: chr8-38297828-G-C.
Other names: c.63C>G, p.Ala21= (NM_001174064.2); c.92-11875C>G (NM_001354368.2, NM_001354370.2, NM_023106.3 and 2 more transcripts); c.92-10362C>G (NM_001354367.2, NM_015850.4, NM_001174063.2 and 3 more transcripts); c.191-10362C>G (NM_001174067.2).
Identifiers: ClinVar variation 2658552 (VCV002658552.25), dbSNP rs533292832, ClinGen allele CA4718908.
Genomic context (GRCh38, chr8:38,440,310, plus strand): 5'-TCTGCAGAGGTTTTTTTATTACGTATTTTGGCTTTGAAATGGAACTGAAAACTTACCTTC[G>C]GCTGGCAGGACCCGGCCAGAGTGCAGAAGCATCTCACCGAAATCCCGGGTCACAGCTGCC-3'